The following is an entry in ClinVar:

ClinVar aggregate classification (germline): Uncertain significance (1 of 4 stars; one submission).

Conditions:
Tumor predisposition syndrome 3 (TPDS3). Also called: Melanoma, cutaneous malignant, susceptibility to, 10; Glioma susceptibility 9; LONG TELOMERE SYNDROME, POT1-RELATED; POT1 Tumor Predisposition. Identifiers: Orphanet 618, MedGen C4014476, MONDO:0014368, OMIM 615848.

Submission:

Labcorp Genetics (formerly Invitae), Labcorp
Classification: Uncertain significance for Tumor predisposition syndrome 3. Last evaluated: 2025-08-09. Review status: criteria provided, single submitter. Criteria: Invitae Variant Classification Sherloc (09022015). Collection method: clinical testing. Allele origin: germline.
Comment: This sequence change replaces aspartic acid, which is acidic and polar, with valine, which is neutral and non-polar, at codon 77 of the POT1 protein (p.Asp77Val). This variant is not present in population databases (gnomAD no frequency). This variant has not been reported in the literature in individuals affected with POT1-related conditions. Invitae Evidence Modeling of protein sequence and biophysical properties (such as structural, functional, and spatial information, amino acid conservation, physicochemical variation, residue mobility, and thermodynamic stability) indicates that this missense variant is not expected to disrupt POT1 protein function with a negative predictive value of 80%. In summary, the available evidence is currently insufficient to determine the role of this variant in disease. Therefore, it has been classified as a Variant of Uncertain Significance.

NM_015450.3(POT1):c.230A>T (p.Asp77Val)

Gene: POT1 (protection of telomeres 1; minus strand). Cytogenetic location: 7q31.33.
Variant type: single nucleotide variant.
Coding change: c.230A>T on transcript NM_015450.3 (MANE Select); coding-DNA position 230, A replaced by T.
Protein change: p.Asp77Val; replaces aspartic acid 77 with valine.
Molecular consequence: missense variant. On other transcripts: non-coding transcript variant (3), intron variant (1).
Genome position (GRCh38, 1-based): chr7:124,870,936, T>A on the plus strand (A>T on the coding strand, the complement: POT1 is on the minus strand). VCF-style: chr7-124870936-T-A. GRCh37 (hg19) VCF-style: chr7-124510990-T-A.
Other names: c.-138-7296A>T (NM_001042594.2); short protein forms D77V.
Identifiers: ClinVar variation 4743379 (VCV004743379.1).